The following is an entry in ClinVar:

ClinVar aggregate classification (germline): Conflicting classifications of pathogenicity. Review status: criteria provided, conflicting classifications (1 of 4 stars). 9 submissions from 9 submitters: Uncertain significance (1); Benign (2); Likely benign (2). 4 of the submissions do not count toward it. Last evaluated 2026-08-01.

Conditions:
TACO1-related disorder. Also called: TACO1-related condition.
Mitochondrial complex IV deficiency, nuclear type 1 (MC4DN1). Also called: Mitochondrial complex IV deficiency; Complex 4 mitochondrial respiratory chain deficiency; Deficiency of mitochondrial respiratory chain complex4; Complex IV deficiency; COX DEFICIENCY. Identifiers: MedGen C5435656, MONDO:0700250, OMIM 220110. Disease mechanism: loss of function.

Allele frequency attached by ClinVar (database versions not stated): 1000 Genomes Project 0.00060; 1000 Genomes Project 30x 0.00062; gnomAD 0.00201 and 0.00202; TOPMed 0.00207; gnomAD exomes 0.00208 and 0.00368; ExAC 0.00211; ESP Exome Variant Server 0.00261.

Submissions (9):

CeGaT Center for Human Genetics Tuebingen
Classification: Likely benign. Last evaluated: 2026-08-01. Review status: criteria provided, single submitter. Criteria: CeGaT Center For Human Genetics Tuebingen Variant Classification Criteria Version 2. Collection method: clinical testing. Allele origin: germline. Affected: yes. Observed: 19 variant alleles.
Comment: TACO1: BP4, BP7

Labcorp Genetics (formerly Invitae), Labcorp
Classification: Benign. Last evaluated: 2026-01-15. Review status: criteria provided, single submitter. Criteria: Invitae Variant Classification Sherloc (09022015). Collection method: clinical testing. Allele origin: germline.

Blueprint Genetics
Classification: Likely benign. Last evaluated: 2024-11-18. Review status: criteria provided, single submitter. Criteria: ACMG Guidelines, 2015. Collection method: clinical testing. Allele origin: germline.

Illumina Laboratory Services, Illumina
Classification: Uncertain significance for Mitochondrial complex IV deficiency, nuclear type 1. Last evaluated: 2018-01-12. Review status: criteria provided, single submitter. Criteria: ICSL Variant Classification Criteria 13 December 2019. Collection method: clinical testing. Allele origin: germline.

GeneDx
Classification: Benign. Last evaluated: 2014-10-15. Review status: criteria provided, single submitter. Criteria: GeneDx Variant Classification (06012015). Collection method: clinical testing. Allele origin: germline. Affected: yes.
Comment: This variant is considered likely benign or benign based on one or more of the following criteria: it is a conservative change, it occurs at a poorly conserved position in the protein, it is predicted to be benign by multiple in silico algorithms, and/or has population frequency not consistent with disease.

PreventionGenetics, part of Exact Sciences
Classification: Likely benign for TACO1-related condition. Last evaluated: 2024-05-23. Review status: no assertion criteria provided. Collection method: clinical testing. Allele origin: germline. Not counted in ClinVar's aggregate classification.
Comment: This variant is classified as likely benign based on ACMG/AMP sequence variant interpretation guidelines (Richards et al. 2015 PMID: 25741868, with internal and published modifications).

Mayo Clinic Laboratories, Mayo Clinic
Classification: Likely benign. Last evaluated: 2016-02-29. Review status: no assertion criteria provided. Collection method: clinical testing. Allele origin: unknown. Not counted in ClinVar's aggregate classification.

Clinical Genetics DNA and cytogenetics Diagnostics Lab, Erasmus MC, Erasmus Medical Center
Classification: Likely benign. Review status: no assertion criteria provided. Collection method: clinical testing. Allele origin: germline. Affected: yes. Study: VKGL Data-share Consensus. Not counted in ClinVar's aggregate classification.

Diagnostic Laboratory, Department of Genetics, University Medical Center Groningen
Classification: Likely benign. Review status: no assertion criteria provided. Collection method: clinical testing. Allele origin: germline. Affected: yes. Study: VKGL Data-share Consensus. Not counted in ClinVar's aggregate classification.

NM_016360.4(TACO1):c.498T>C (p.His166=)

Gene: TACO1 (translational activator of cytochrome c oxidase I; plus strand). Cytogenetic location: 17q23.3.
Variant type: single nucleotide variant.
Coding change: c.498T>C on transcript NM_016360.4 (MANE Select); coding-DNA position 498, T replaced by C.
Protein change: p.His166=; no amino-acid change (histidine 166 retained).
Molecular consequence: synonymous variant.
Genome position (GRCh38, 1-based): chr17:63,606,423, T>C. VCF-style: chr17-63606423-T-C. GRCh37 (hg19) VCF-style: chr17-61683783-T-C.
Identifiers: ClinVar variation 215244 (VCV000215244.52), dbSNP rs17549732, ClinGen allele CA324538.